The following is an entry in ClinVar:

ClinVar aggregate classification (germline): Pathogenic (1 of 4 stars; one submission).

Conditions:
Hypertrophic cardiomyopathy 26. Also called: Cardiomyopathy, familial hypertrophic, 26. Identifiers: Orphanet 75249, MedGen C4310749, MONDO:0014883, OMIM 617047.
Myofibrillar myopathy 5. Also called: Filaminopathy (type); FILAMINOPATHY, AUTOSOMAL DOMINANT. Identifiers: Orphanet 171445, MedGen C1836050, MONDO:0012289, OMIM 609524.
Distal myopathy with posterior leg and anterior hand involvement. Also called: WILLIAMS DISTAL MYOPATHY. Identifiers: Orphanet 63273, MedGen C3279722, MONDO:0013550, OMIM 614065.

Submission:

Labcorp Genetics (formerly Invitae), Labcorp
Classification: Pathogenic for Distal myopathy with posterior leg and anterior hand involvement; Myofibrillar myopathy 5; Hypertrophic cardiomyopathy 26. Last evaluated: 2025-02-18. Review status: criteria provided, single submitter. Criteria: Invitae Variant Classification Sherloc (09022015). Collection method: clinical testing. Allele origin: germline.
Comment: This sequence change creates a premature translational stop signal (p.Thr1597Serfs*10) in the FLNC gene. It is expected to result in an absent or disrupted protein product. Loss-of-function variants in FLNC are known to be pathogenic (PMID: 27908349). This variant is not present in population databases (gnomAD no frequency). This variant has not been reported in the literature in individuals affected with FLNC-related conditions. For these reasons, this variant has been classified as Pathogenic.

Literature cited by the submitters: PubMed 27908349.

NM_001458.5(FLNC):c.4790del (p.Thr1597fs)

Gene: FLNC (filamin C; plus strand). Cytogenetic location: 7q32.1.
Variant type: Deletion.
Coding change: c.4790del on transcript NM_001458.5 (MANE Select); coding-DNA position 4790, one base deleted (C; older notation c.4790delC).
Protein change: p.Thr1597fs; shifts the reading frame from threonine 1597.
Molecular consequence: frameshift variant.
Genome position (GRCh38, 1-based): chr7:128,848,845, C deleted. VCF-style (leftmost placement, unchanged base first): chr7-128848844-AC-A. GRCh37 (hg19) VCF-style: chr7-128488898-AC-A.
Other names: c.4790del, p.Thr1597fs (NM_001127487.2); short protein forms T1597fs.
Identifiers: ClinVar variation 4812457 (VCV004812457.1).
Genomic context (GRCh38, chr7:128,848,844, plus strand): 5'-CTCCCTCAGGACCCCGAGGGTAAGCCCAAGAAGGCCAACATCCGGGACAATGGGGATGGC[AC>A]GTACACTGTGTCCTACCTGCCGGACATGAGTGGCCGGTACACCATCACCATCAAGTATGG-3'